The following is an entry in ClinVar:

NM_004984.4(KIF5A):c.1222C>A (p.Arg408Ser)

Gene: KIF5A (kinesin family member 5A; plus strand). Cytogenetic location: 12q13.3.
Variant type: single nucleotide variant.
Coding change: c.1222C>A on transcript NM_004984.4 (MANE Select); coding-DNA position 1222, C replaced by A.
Protein change: p.Arg408Ser; replaces arginine 408 with serine.
Molecular consequence: missense variant.
Genome position (GRCh38, 1-based): chr12:57,570,091, C>A. VCF-style: chr12-57570091-C-A. GRCh37 (hg19) VCF-style: chr12-57963874-C-A.
Other names: c.955C>A, p.Arg319Ser (NM_001354705.2); short protein forms R319S, R408S.
Identifiers: ClinVar variation 1391721 (VCV001391721.6), dbSNP rs767181570, ClinGen allele CA385504176.

ClinVar aggregate classification (germline): Uncertain significance (1 of 4 stars; one submission).

Conditions:
Spastic paraplegia. Identifiers: MedGen C0037772, HP:0001258.

gnomAD v4.1: 1 of 1,614,144 alleles (0.000062%); highest among the groups gnomAD compares: South Asian, 0.0011%; no homozygotes.

Submission:

Labcorp Genetics (formerly Invitae), Labcorp
Classification: Uncertain significance for Spastic paraplegia. Last evaluated: 2024-10-23. Review status: criteria provided, single submitter. Criteria: Invitae Variant Classification Sherloc (09022015). Collection method: clinical testing. Allele origin: germline.
Comment: This sequence change replaces arginine, which is basic and polar, with serine, which is neutral and polar, at codon 408 of the KIF5A protein (p.Arg408Ser). This variant is not present in population databases (gnomAD no frequency). This variant has not been reported in the literature in individuals affected with KIF5A-related conditions. ClinVar contains an entry for this variant (Variation ID: 1391721). Invitae Evidence Modeling of protein sequence and biophysical properties (such as structural, functional, and spatial information, amino acid conservation, physicochemical variation, residue mobility, and thermodynamic stability) indicates that this missense variant is not expected to disrupt KIF5A protein function with a negative predictive value of 95%. In summary, the available evidence is currently insufficient to determine the role of this variant in disease. Therefore, it has been classified as a Variant of Uncertain Significance.